The following is an entry in ClinVar:

NM_003954.5(MAP3K14):c.836C>T (p.Pro279Leu)

Gene: MAP3K14 (mitogen-activated protein kinase kinase kinase 14; minus strand). Cytogenetic location: 17q21.31.
Variant type: single nucleotide variant.
Coding change: c.836C>T on transcript NM_003954.5 (MANE Select); coding-DNA position 836, C replaced by T.
Protein change: p.Pro279Leu; replaces proline 279 with leucine.
Molecular consequence: missense variant.
Genome position (GRCh38, 1-based): chr17:45,286,747, G>A on the plus strand (C>T on the coding strand, the complement: MAP3K14 is on the minus strand). VCF-style: chr17-45286747-G-A. GRCh37 (hg19) VCF-style: chr17-43364114-G-A.
Other names: short protein forms P279L.
Identifiers: ClinVar variation 2159451 (VCV002159451.2), dbSNP rs2509020204, ClinGen allele CA399888475.

ClinVar aggregate classification (germline): Uncertain significance (1 of 4 stars; one submission).

Conditions:
NIK deficiency. Also called: Primary immunodeficiency with multifaceted aberrant lymphoid immunity. Identifiers: Orphanet 447731, MedGen C5680065, MONDO:0018642.

Submission:

Labcorp Genetics (formerly Invitae), Labcorp
Classification: Uncertain significance for NIK deficiency. Last evaluated: 2022-03-16. Review status: criteria provided, single submitter. Criteria: Invitae Variant Classification Sherloc (09022015). Collection method: clinical testing. Allele origin: germline.
Comment: Experimental studies and prediction algorithms are not available or were not evaluated, and the functional significance of this variant is currently unknown. In summary, the available evidence is currently insufficient to determine the role of this variant in disease. Therefore, it has been classified as a Variant of Uncertain Significance. This variant has not been reported in the literature in individuals affected with MAP3K14-related conditions. This variant is not present in population databases (gnomAD no frequency). This sequence change replaces proline, which is neutral and non-polar, with leucine, which is neutral and non-polar, at codon 279 of the MAP3K14 protein (p.Pro279Leu).